The following is an entry in ClinVar:

ClinVar aggregate classification (germline): Uncertain significance (1 of 4 stars; one submission).

Conditions:
Inborn genetic diseases. Identifiers: MedGen C0950123, MeSH D030342.

Submission:

Ambry Genetics
Classification: Uncertain significance for Inborn genetic diseases. Last evaluated: 2025-09-22. Review status: criteria provided, single submitter. Criteria: Ambry Variant Classification Scheme 2023. Collection method: clinical testing. Allele origin: germline.
Comment: The p.P1167L variant (also known as c.3500C>T), located in coding exon 13 of the ASXL1 gene, results from a C to T substitution at nucleotide position 3500. The proline at codon 1167 is replaced by leucine, an amino acid with similar properties. This amino acid position is conserved. In addition, this alteration is predicted to be tolerated by in silico analysis. Based on the available evidence, the clinical significance of this variant remains unclear.

NM_015338.6(ASXL1):c.3500C>T (p.Pro1167Leu)

Gene: ASXL1 (ASXL transcriptional regulator 1; plus strand). Cytogenetic location: 20q11.21.
Variant type: single nucleotide variant.
Coding change: c.3500C>T on transcript NM_015338.6 (MANE Select); coding-DNA position 3500, C replaced by T.
Protein change: p.Pro1167Leu; replaces proline 1167 with leucine.
Molecular consequence: missense variant.
Genome position (GRCh38, 1-based): chr20:32,436,212, C>T. VCF-style: chr20-32436212-C-T. GRCh37 (hg19) VCF-style: chr20-31024015-C-T.
Other names: c.3317C>T, p.Pro1106Leu (NM_001363734.1); short protein forms P1106L, P1167L.
Identifiers: ClinVar variation 4587280 (VCV004587280.1).